The following is an entry in ClinVar:

NM_000098.3(CPT2):c.1251C>G (p.Phe417Leu)

Gene: CPT2 (carnitine palmitoyltransferase 2; plus strand). Cytogenetic location: 1p32.3.
Variant type: single nucleotide variant.
Coding change: c.1251C>G on transcript NM_000098.3 (MANE Select); coding-DNA position 1251, C replaced by G.
Protein change: p.Phe417Leu; replaces phenylalanine 417 with leucine.
Molecular consequence: missense variant.
Genome position (GRCh38, 1-based): chr1:53,210,925, C>G. VCF-style: chr1-53210925-C-G. GRCh37 (hg19) VCF-style: chr1-53676597-C-G.
Other names: c.1251C>G, p.Phe417Leu (NM_001330589.2); c.1251C>G (NM_000098.2); short protein forms F417L.
Identifiers: ClinVar variation 2061386 (VCV002061386.2), dbSNP rs576822710, ClinGen allele CA859158.

ClinVar aggregate classification (germline): Uncertain significance. Review status: criteria provided, single submitter (1 of 4 stars). 2 submissions from 2 submitters: Uncertain significance (1). 1 of the submissions does not count toward it. Last evaluated 2022-02-02.

Conditions:
Carnitine palmitoyltransferase II deficiency. Also called: Carnitine Palmitoyltransferase 2 Deficiency. Identifiers: Orphanet 157, MedGen C0342790, MONDO:0015515.

gnomAD v4.1: 1 of 1,614,040 alleles (0.000062%); highest among the groups gnomAD compares: Non-Finnish European, 0.000085%; no homozygotes.

Submissions (2):

Labcorp Genetics (formerly Invitae), Labcorp
Classification: Uncertain significance for Carnitine palmitoyltransferase II deficiency. Last evaluated: 2022-02-02. Review status: criteria provided, single submitter. Criteria: Invitae Variant Classification Sherloc (09022015). Collection method: clinical testing. Allele origin: germline.
Comment: This sequence change replaces phenylalanine, which is neutral and non-polar, with leucine, which is neutral and non-polar, at codon 417 of the CPT2 protein (p.Phe417Leu). This variant is present in population databases (rs576822710, gnomAD 0.0009%). This variant has not been reported in the literature in individuals affected with CPT2-related conditions. Advanced modeling of protein sequence and biophysical properties (such as structural, functional, and spatial information, amino acid conservation, physicochemical variation, residue mobility, and thermodynamic stability) performed at Invitae indicates that this missense variant is not expected to disrupt CPT2 protein function. In summary, the available evidence is currently insufficient to determine the role of this variant in disease. Therefore, it has been classified as a Variant of Uncertain Significance.

Natera, Inc.
Classification: Uncertain significance for Carnitine palmitoyltransferase II deficiency. Last evaluated: 2025-03-13. Review status: no assertion criteria provided. Collection method: clinical testing. Allele origin: germline. Not counted in ClinVar's aggregate classification.